The following is an entry in ClinVar:

ClinVar aggregate classification (germline): Pathogenic (1 of 4 stars; one submission).

Submission:

Ambry Genetics
Classification: Pathogenic. Last evaluated: 2026-06-29. Review status: criteria provided, single submitter. Criteria: Ambry Variant Classification Scheme 2023. Collection method: clinical testing. Allele origin: germline.
Comment: The c.1159_1163delAGGAG pathogenic mutation, located in coding exon 1 of the MLH3 gene, results from a deletion of 5 nucleotides at nucleotide positions 1159 to 1163, causing a translational frameshift with a predicted alternate stop codon (p.R387Qfs*7). This variant is considered to be rare based on population cohorts in the Genome Aggregation Database (gnomAD). This alteration is expected to result in loss of function by premature protein truncation or nonsense-mediated mRNA decay. As such, this alteration is interpreted as a disease-causing mutation.

NM_001040108.2(MLH3):c.1159_1163del (p.Arg387fs)

Gene: MLH3 (mutL homolog 3; minus strand). Cytogenetic location: 14q24.3.
Variant type: Deletion.
Coding change: c.1159_1163del on transcript NM_001040108.2 (MANE Select); coding-DNA positions 1159 to 1163, 5 bases deleted (AGGAG; older notation c.1159_1163delAGGAG).
Protein change: p.Arg387fs; shifts the reading frame from arginine 387.
Molecular consequence: frameshift variant.
Genome position (GRCh38, 1-based): chr14:75,048,493-75,048,497, CTCCT deleted on the plus strand (AGGAG on the coding strand, the reverse complement: MLH3 is on the minus strand); deleting any 5 consecutive bases within chr14:75,048,493-75,048,500 gives the same sequence; the c. name uses the placement nearest the transcript's 3' end. VCF-style (leftmost placement, unchanged base first): chr14-75048492-GCTCCT-G. GRCh37 (hg19) VCF-style: chr14-75515195-GCTCCT-G.
Other names: c.1159_1163del, p.Arg387fs (NM_014381.3); c.1159_1163delAGGAG (NM_001040108.1); short protein forms R387fs.
Identifiers: ClinVar variation 5024580 (VCV005024580.1).
Genomic context (GRCh38, chr14:75,048,492, plus strand): 5'-TGACTGCAAATTAAACATCTCATAGGAATCTAAAATATTATTACATGCTTCCTGGAAATT[GCTCCT>G]CTCATCGGAAGTCACACGCTTCTGAAGAGTAGCATCAAATAAACTAAAACCATTATCTTC-3'